The following is an entry in ClinVar:

ClinVar aggregate classification (germline): Uncertain significance (1 of 4 stars; one submission).

Allele frequency attached by ClinVar (database versions not stated): gnomAD exomes below 0.00001.
gnomAD v4.1: 1 of 1,614,130 alleles (0.000062%); highest among the groups gnomAD compares: Non-Finnish European, 0.000085%; no homozygotes.

Submission:

Labcorp Genetics (formerly Invitae), Labcorp
Classification: Uncertain significance. Last evaluated: 2022-08-03. Review status: criteria provided, single submitter. Criteria: Invitae Variant Classification Sherloc (09022015). Collection method: clinical testing. Allele origin: germline.
Comment: This variant is not present in population databases (gnomAD no frequency). This sequence change replaces serine, which is neutral and polar, with proline, which is neutral and non-polar, at codon 1310 of the TTC37 protein (p.Ser1310Pro). This variant has not been reported in the literature in individuals affected with TTC37-related conditions. Algorithms developed to predict the effect of missense changes on protein structure and function (SIFT, PolyPhen-2, Align-GVGD) all suggest that this variant is likely to be tolerated. In summary, the available evidence is currently insufficient to determine the role of this variant in disease. Therefore, it has been classified as a Variant of Uncertain Significance.

NM_014639.4(SKIC3):c.3928T>C (p.Ser1310Pro)

Gene: SKIC3 (SKI3 subunit of superkiller complex; minus strand). Cytogenetic location: 5q15.
Variant type: single nucleotide variant.
Coding change: c.3928T>C on transcript NM_014639.4 (MANE Select); coding-DNA position 3928, T replaced by C.
Protein change: p.Ser1310Pro; replaces serine 1310 with proline.
Molecular consequence: missense variant.
Genome position (GRCh38, 1-based): chr5:95,490,911, A>G on the plus strand (T>C on the coding strand, the complement: SKIC3 is on the minus strand). VCF-style: chr5-95490911-A-G. GRCh37 (hg19) VCF-style: chr5-94826615-A-G.
Other names: short protein forms S1310P.
Identifiers: ClinVar variation 2021224 (VCV002021224.4), dbSNP rs2530705742, ClinGen allele CA360447610.